The following is an entry in ClinVar:

NM_001042750.2(STAG2):c.3460G>A (p.Asp1154Asn)

Gene: STAG2 (STAG2 cohesin complex component; plus strand). Cytogenetic location: Xq25.
Variant type: single nucleotide variant.
Coding change: c.3460G>A on transcript NM_001042750.2 (MANE Select); coding-DNA position 3460, G replaced by A.
Protein change: p.Asp1154Asn; replaces aspartic acid 1154 with asparagine.
Molecular consequence: missense variant.
Genome position (GRCh38, 1-based): chrX:124,090,757, G>A. VCF-style: chrX-124090757-G-A. GRCh37 (hg19) VCF-style: chrX-123224607-G-A.
Other names: c.3460G>A, p.Asp1154Asn (NM_001375367.1, NM_001375368.1, NM_001375369.1 and 13 more transcripts); short protein forms D1154N.
Identifiers: ClinVar variation 1360196 (VCV001360196.6), dbSNP rs1452374486, ClinGen allele CA414281670.
Genomic context (GRCh38, chrX:124,090,757, plus strand): 5'-CCTGAGGATAGCTTCATGAGTGTTTATCCAATGCAGACTGAACATCATCAAACACCTCTT[G>A]ATTATAAGTAAGTACATTTGATCATTTTCTGTACTATAACTTTATTAATTACATAGAAAA-3'
Protein context (NP_001036215.1, residues 1144-1164): MQTEHHQTPL[Asp1154Asn]YNTQVTWMLA

ClinVar aggregate classification (germline): Uncertain significance (1 of 4 stars; one submission).

Allele frequency attached by ClinVar (database versions not stated): TOPMed below 0.00001; gnomAD 0.00001.
gnomAD v4.1: 1 of 1,206,873 alleles (0.000083%); highest among the groups gnomAD compares: Non-Finnish European, 0.00011%; no homozygotes.

Submission:

Labcorp Genetics (formerly Invitae), Labcorp
Classification: Uncertain significance. Last evaluated: 2022-04-28. Review status: criteria provided, single submitter. Criteria: Invitae Variant Classification Sherloc (09022015). Collection method: clinical testing. Allele origin: germline.
Comment: This sequence change replaces aspartic acid, which is acidic and polar, with asparagine, which is neutral and polar, at codon 1154 of the STAG2 protein (p.Asp1154Asn). This variant is present in population databases (no rsID available, gnomAD 0.009%). This variant has not been reported in the literature in individuals affected with STAG2-related conditions. Algorithms developed to predict the effect of missense changes on protein structure and function are either unavailable or do not agree on the potential impact of this missense change (SIFT: "Deleterious"; PolyPhen-2: "Possibly Damaging"; Align-GVGD: "Class C0"). In summary, the available evidence is currently insufficient to determine the role of this variant in disease. Therefore, it has been classified as a Variant of Uncertain Significance.